The following is an entry in ClinVar:

NM_007294.4(BRCA1):c.1018dup (p.Val340fs)

Gene: BRCA1 (BRCA1 DNA repair associated; minus strand). Cytogenetic location: 17q21.31.
Variant type: Duplication.
Coding change: c.1018dup on transcript NM_007294.4 (MANE Select); coding-DNA position 1018, one base duplicated (G; older notation c.1018dupG).
Protein change: p.Val340fs; shifts the reading frame from valine 340.
Molecular consequence: frameshift variant. On other transcripts: intron variant (137).
Genome position (GRCh38, 1-based): chr17:43,094,513, C duplicated on the plus strand (G on the coding strand, the reverse complement: BRCA1 is on the minus strand); the first of 2 consecutive C bases (chr17:43,094,513-43,094,514); duplicating either gives the same sequence. VCF-style (leftmost placement, unchanged base first): chr17-43094512-A-AC. GRCh37 (hg19) VCF-style: chr17-41246529-A-AC.
Other names: c.1018dupG (NM_007294.3); c.1015dup, p.Val339fs (NM_001407637.1, NM_001407638.1, NM_001407644.1 and 22 more transcripts); c.1018dup, p.Val340fs (NM_001407639.1, NM_001407640.1, NM_001407641.1 and 30 more transcripts); c.1009dup, p.Val337fs (NM_001407646.1, NM_001407647.1); c.895dup, p.Val299fs (NM_001407648.1, NM_001407664.1, NM_001407665.1 and 19 more transcripts); c.892dup, p.Val298fs (NM_001407649.1, NM_001407670.1, NM_001407671.1 and 11 more transcripts); c.940dup, p.Val314fs (NM_001407653.1, NM_001407654.1, NM_001407655.1 and 4 more transcripts); c.937dup, p.Val313fs (NM_001407659.1, NM_001407660.1, NM_001407661.1 and 1 more transcripts); and 41 more; short protein forms V340fs, V293fs, V213fs, V228fs, V229fs, V252fs, V298fs, V313fs.
Identifiers: ClinVar variation 254386 (VCV000254386.3), dbSNP rs80357774, ClinGen allele CA10586661.

ClinVar aggregate classification (germline): Pathogenic (3 of 4 stars; one submission).

Conditions:
Breast-ovarian cancer, familial, susceptibility to, 1 (BROVCA1). Also called: BRCA1 Hereditary Breast and Ovarian Cancer; OVARIAN CANCER, SUSCEPTIBILITY TO. Identifiers: Orphanet 145, MedGen C2676676, MONDO:0011450, OMIM 604370. Disease mechanism: loss of function.

Submission:

Evidence-based Network for the Interpretation of Germline Mutant Alleles (ENIGMA)
Classification: Pathogenic for Breast-ovarian cancer, familial, susceptibility to, 1. Last evaluated: 2016-09-08. Review status: reviewed by expert panel. Criteria: ENIGMA BRCA1/2 Classification Criteria (2015). Collection method: curation. Allele origin: germline.
Comment: Variant allele predicted to encode a truncated non-functional protein.